The following is an entry in ClinVar:

NM_006348.5(COG5):c.44C>G (p.Ala15Gly)

Gene: COG5 (component of oligomeric golgi complex 5; minus strand). Cytogenetic location: 7q22.3.
Variant type: single nucleotide variant.
Coding change: c.44C>G on transcript NM_006348.5 (MANE Select); coding-DNA position 44, C replaced by G.
Protein change: p.Ala15Gly; replaces alanine 15 with glycine.
Molecular consequence: missense variant.
Genome position (GRCh38, 1-based): chr7:107,563,853, G>C on the plus strand (C>G on the coding strand, the complement: COG5 is on the minus strand). VCF-style: chr7-107563853-G-C. GRCh37 (hg19) VCF-style: chr7-107204298-G-C.
Other names: c.137C>G (NM_006348.3); c.44C>G, p.Ala15Gly (NM_001161520.2, NM_001379511.1, NM_001379512.1 and 5 more transcripts); short protein forms A15G.
Identifiers: ClinVar variation 1463843 (VCV001463843.7), dbSNP rs1804227263, ClinGen allele CA368826269.
Genomic context (GRCh38, chr7:107,563,853, plus strand): 5'-GTCTCCTTACCGTCCTGCAGAAGTTCCCGGACTGTAGCTGCAGCCGCTCCAGAGCCTCGA[G>C]CTCCGAGGCCAGCTACAGCGACGCTGCCGCCGCCACCTTCCATGTTGGCAGGTGCCGGGT-3'
Protein context (NP_006339.4, residues 5-25): GGSVAVAGLG[Ala15Gly]RGSGAAAATV

ClinVar aggregate classification (germline): Uncertain significance. Review status: criteria provided, multiple submitters, no conflicts (2 of 4 stars). 2 submissions from 2 submitters: Uncertain significance (2). Last evaluated 2024-12-23.

Conditions:
Inborn genetic diseases. Identifiers: MedGen C0950123, MeSH D030342.
COG5-congenital disorder of glycosylation. Also called: CDG IIi; COG5-CDG; CONGENITAL DISORDER OF GLYCOSYLATION, TYPE IIi. Identifiers: Orphanet 263487, MedGen C3150876, MONDO:0013325, OMIM 613612.

Submissions (2):

Ambry Genetics
Classification: Uncertain significance for Inborn genetic diseases. Last evaluated: 2024-12-23. Review status: criteria provided, single submitter. Criteria: Ambry Variant Classification Scheme 2023. Collection method: clinical testing. Allele origin: germline.

Labcorp Genetics (formerly Invitae), Labcorp
Classification: Uncertain significance for COG5-congenital disorder of glycosylation. Last evaluated: 2022-08-23. Review status: criteria provided, single submitter. Criteria: Invitae Variant Classification Sherloc (09022015). Collection method: clinical testing. Allele origin: germline.
Comment: In summary, the available evidence is currently insufficient to determine the role of this variant in disease. Therefore, it has been classified as a Variant of Uncertain Significance. Algorithms developed to predict the effect of missense changes on protein structure and function (SIFT, PolyPhen-2, Align-GVGD) all suggest that this variant is likely to be tolerated. ClinVar contains an entry for this variant (Variation ID: 1463843). This variant has not been reported in the literature in individuals affected with COG5-related conditions. This variant is not present in population databases (gnomAD no frequency). This sequence change replaces alanine, which is neutral and non-polar, with glycine, which is neutral and non-polar, at codon 46 of the COG5 protein (p.Ala46Gly).